The following is an entry in ClinVar:

NM_032043.3(BRIP1):c.207G>A (p.Gly69=)

Gene: BRIP1 (BRCA1 interacting DNA helicase 1; minus strand). Cytogenetic location: 17q23.2.
Variant type: single nucleotide variant.
Coding change: c.207G>A on transcript NM_032043.3 (MANE Select); coding-DNA position 207, G replaced by A.
Protein change: p.Gly69=; no amino-acid change (glycine 69 retained).
Molecular consequence: synonymous variant.
Genome position (GRCh38, 1-based): chr17:61,857,230, C>T on the plus strand (G>A on the coding strand, the complement: BRIP1 is on the minus strand). VCF-style: chr17-61857230-C-T. GRCh37 (hg19) VCF-style: chr17-59934591-C-T.
Identifiers: ClinVar variation 927849 (VCV000927849.6), dbSNP rs2078911284, ClinGen allele CA501151445.

ClinVar aggregate classification (germline): Benign/Likely benign. Review status: criteria provided, multiple submitters, no conflicts (2 of 4 stars). 3 submissions from 3 submitters: Benign (1); Likely benign (2). Last evaluated 2024-08-09.

Conditions:
Hereditary cancer-predisposing syndrome. Also called: Tumor predisposition; Hereditary neoplastic syndrome; Neoplastic Syndromes, Hereditary; Hereditary Cancer Syndrome. Identifiers: Orphanet 140162, MedGen C0027672, MeSH D009386, MONDO:0015356.
Fanconi anemia complementation group J. Also called: BRIP1-Related Fanconi Anemia. Identifiers: Orphanet 84, MedGen C1836860, MONDO:0012187, OMIM 609054.
Familial cancer of breast. Also called: BREAST CANCER, FAMILIAL; hereditary breast carcinoma; Hereditary breast cancer. Identifiers: Orphanet 227535, MedGen C0346153, MONDO:0016419, OMIM 114480. Disease mechanism: loss of function.

Allele frequency attached by ClinVar (database versions not stated): gnomAD exomes below 0.00001.
gnomAD v4.1: 2 of 1,612,492 alleles (0.00012%); highest among the groups gnomAD compares: Non-Finnish European, 0.00017%; no homozygotes.

Submissions (3):

Myriad Genetics, Inc.
Classification: Benign for Familial cancer of breast. Last evaluated: 2024-08-09. Review status: criteria provided, single submitter. Criteria: Myriad Autosomal Dominant, Autosomal Recessive and X-Linked Classification Criteria (2023). Collection method: clinical testing. Allele origin: unknown.
Comment: This variant is considered benign. This variant is a silent/synonymous amino acid change and it is not expected to impact splicing.

Labcorp Genetics (formerly Invitae), Labcorp
Classification: Likely benign for Familial cancer of breast; Fanconi anemia complementation group J. Last evaluated: 2024-04-25. Review status: criteria provided, single submitter. Criteria: Invitae Variant Classification Sherloc (09022015). Collection method: clinical testing. Allele origin: germline.

Color Diagnostics, LLC DBA Color Health
Classification: Likely benign for Hereditary cancer-predisposing syndrome. Last evaluated: 2018-12-05. Review status: criteria provided, single submitter. Criteria: ACMG Guidelines, 2015. Collection method: clinical testing. Allele origin: germline.